The following is an entry in ClinVar:

NM_182961.4(SYNE1):c.11440G>C (p.Gly3814Arg)

Gene: SYNE1 (spectrin repeat containing nuclear envelope protein 1; minus strand). Cytogenetic location: 6q25.2.
Variant type: single nucleotide variant.
Coding change: c.11440G>C on transcript NM_182961.4 (MANE Select); coding-DNA position 11440, G replaced by C.
Protein change: p.Gly3814Arg; replaces glycine 3814 with arginine.
Molecular consequence: missense variant.
Genome position (GRCh38, 1-based): chr6:152,352,167, C>G on the plus strand (G>C on the coding strand, the complement: SYNE1 is on the minus strand). VCF-style: chr6-152352167-C-G. GRCh37 (hg19) VCF-style: chr6-152673302-C-G.
Other names: c.11395G>C, p.Gly3799Arg (NM_033071.5); short protein forms G3814R, G3799R.
Identifiers: ClinVar variation 3571700 (VCV003571700.2).

ClinVar aggregate classification (germline): Uncertain significance. Review status: criteria provided, multiple submitters, no conflicts (2 of 4 stars). 2 submissions from 2 submitters: Uncertain significance (2). Last evaluated 2025-03-06.

gnomAD v4.1: 2 of 1,614,134 alleles (0.00012%); highest among the groups gnomAD compares: Middle Eastern, 0.016%; no homozygotes.

Submissions (2):

GeneDx
Classification: Uncertain significance. Last evaluated: 2025-03-06. Review status: criteria provided, single submitter. Criteria: GeneDx Variant Classification Process June 2021. Collection method: clinical testing. Allele origin: germline. Affected: yes.
Comment: Not observed at significant frequency in large population cohorts (gnomAD); In silico analysis indicates that this missense variant does not alter protein structure/function; Has not been previously published as pathogenic or benign to our knowledge

Athena Diagnostics
Classification: Uncertain significance. Last evaluated: 2024-05-17. Review status: criteria provided, single submitter. Criteria: Athena Diagnostics Criteria. Collection method: clinical testing. Allele origin: unknown.
Comment: Available data are insufficient to determine the clinical significance of the variant at this time. This variant has not been reported in large, multi-ethnic general populations. Polyphen and MutationTaster predict this amino acid change may be benign.